The following is an entry in ClinVar:

NM_015425.6(POLR1A):c.1097C>T (p.Ser366Phe)

Gene: POLR1A (RNA polymerase I subunit A; minus strand). Cytogenetic location: 2p11.2.
Variant type: single nucleotide variant.
Coding change: c.1097C>T on transcript NM_015425.6 (MANE Select); coding-DNA position 1097, C replaced by T.
Protein change: p.Ser366Phe; replaces serine 366 with phenylalanine.
Molecular consequence: missense variant.
Genome position (GRCh38, 1-based): chr2:86,078,274, G>A on the plus strand (C>T on the coding strand, the complement: POLR1A is on the minus strand). VCF-style: chr2-86078274-G-A. GRCh37 (hg19) VCF-style: chr2-86305397-G-A.
Other names: c.1097C>T (NM_015425.3); short protein forms S366F.
Identifiers: ClinVar variation 724172 (VCV000724172.14), dbSNP rs183490100, ClinGen allele CA1746437.
Genomic context (GRCh38, chr2:86,078,274, plus strand): 5'-TTGTCTATGAGGGACTGGCCTGGAAGTGTACTCAAAAAGGATCGGTCAATAGCAATCAAA[G>A]AGTCTTTTTCCTGGAAGATGAAACCAAGAAAACAGGGATGATGGAAAAAAGCTCCAAAAG-3'
Protein context (NP_056240.2, residues 356-376): ATPTTDEEKD[Ser366Phe]LIAIDRSFLS

ClinVar aggregate classification (germline): Conflicting classifications of pathogenicity. Review status: criteria provided, conflicting classifications (1 of 4 stars). 4 submissions from 4 submitters: Uncertain significance (1); Likely benign (1). 2 of the submissions do not count toward it. Last evaluated 2025-06-29.

Conditions:
POLR1A-related disorder. Also called: POLR1A-related condition.
Inborn genetic diseases. Identifiers: MedGen C0950123, MeSH D030342.

Allele frequency attached by ClinVar (database versions not stated): ESP Exome Variant Server 0.00126; gnomAD 0.00128 and 0.00142; TOPMed 0.00152; 1000 Genomes Project 0.00200; 1000 Genomes Project 30x 0.00234.
gnomAD v4.1: 373 of 1,569,502 alleles (0.024%); highest among the groups gnomAD compares: African/African-American, 0.47%; no homozygotes.

Submissions (4):

Labcorp Genetics (formerly Invitae), Labcorp
Classification: Likely benign. Last evaluated: 2025-06-29. Review status: criteria provided, single submitter. Criteria: Invitae Variant Classification Sherloc (09022015). Collection method: clinical testing. Allele origin: germline.

Ambry Genetics
Classification: Uncertain significance for Inborn genetic diseases. Last evaluated: 2025-03-14. Review status: criteria provided, single submitter. Criteria: Ambry Variant Classification Scheme 2023. Collection method: clinical testing. Allele origin: germline.

PreventionGenetics, part of Exact Sciences
Classification: Likely benign for POLR1A-related condition. Last evaluated: 2020-11-21. Review status: no assertion criteria provided. Collection method: clinical testing. Allele origin: germline. Not counted in ClinVar's aggregate classification.
Comment: This variant is classified as likely benign based on ACMG/AMP sequence variant interpretation guidelines (Richards et al. 2015 PMID: 25741868, with internal and published modifications).

Department of Pathology and Laboratory Medicine, Sinai Health System
Classification: Uncertain significance. Review status: no assertion criteria provided. Collection method: clinical testing. Allele origin: unknown. Affected: yes. Study: The Canadian Open Genetics Repository (COGR). Not counted in ClinVar's aggregate classification.
Comment: The POLR1A p.S366F variant was not identified in the literature but was identified in dbSNP (ID: rs183490100) and ClinVar (classified as likely benign by Invitae). The variant was identified in control databases in 110 of 247326 chromosomes (0 homozygous) at a frequency of 0.0004448, and was observed at the highest frequency in the African population in 109 of 23558 chromosomes (freq: 0.004627) (Genome Aggregation Database March 6, 2019, v2.1.1). The p.S366 residue is not highly conserved in mammals and computational analyses (MUT Assesor, PolyPhen-2, SIFT, MutationTaster, Revel, FATHMM, MetaLR, DANN) do not suggest a high likelihood of impact to the protein; this information is not very predictive of pathogenicity. The variant occurs outside of the splicing consensus sequence and in silico or computational prediction software programs (Splice AI exome) do not predict a difference in splicing. In summary, based on the above information the clinical significance of this variant cannot be determined with certainty at this time. This variant is classified as a variant of uncertain significance.